The following is an entry in ClinVar:

ClinVar aggregate classification (germline): Uncertain significance. Review status: criteria provided, multiple submitters, no conflicts (2 of 4 stars). 2 submissions from 2 submitters: Uncertain significance (2). Last evaluated 2022-04-23.

Allele frequency attached by ClinVar (database versions not stated): gnomAD exomes below 0.00001.
gnomAD v4.1: 5 of 1,611,474 alleles (0.00031%); highest among the groups gnomAD compares: Non-Finnish European, 0.00042%; no homozygotes.

Submissions (2):

Labcorp Genetics (formerly Invitae), Labcorp
Classification: Uncertain significance. Last evaluated: 2022-04-23. Review status: criteria provided, single submitter. Criteria: Invitae Variant Classification Sherloc (09022015). Collection method: clinical testing. Allele origin: germline.
Comment: This sequence change replaces alanine, which is neutral and non-polar, with glutamic acid, which is acidic and polar, at codon 148 of the GNAT1 protein (p.Ala148Glu). This variant is not present in population databases (gnomAD no frequency). This variant has not been reported in the literature in individuals affected with GNAT1-related conditions. Algorithms developed to predict the effect of missense changes on protein structure and function (SIFT, PolyPhen-2, Align-GVGD) all suggest that this variant is likely to be disruptive. In summary, the available evidence is currently insufficient to determine the role of this variant in disease. Therefore, it has been classified as a Variant of Uncertain Significance.

Blueprint Genetics
Classification: Uncertain significance. Last evaluated: 2019-06-05. Review status: criteria provided, single submitter. Criteria: ACMG Guidelines, 2015. Collection method: clinical testing. Allele origin: germline.

NM_144499.3(GNAT1):c.443C>A (p.Ala148Glu)

Gene: GNAT1 (G protein subunit alpha transducin 1; plus strand). Cytogenetic location: 3p21.31.
Variant type: single nucleotide variant.
Coding change: c.443C>A on transcript NM_144499.3 (MANE Select); coding-DNA position 443, C replaced by A.
Protein change: p.Ala148Glu; replaces alanine 148 with glutamic acid.
Molecular consequence: missense variant.
Genome position (GRCh38, 1-based): chr3:50,193,657, C>A. VCF-style: chr3-50193657-C-A. GRCh37 (hg19) VCF-style: chr3-50231090-C-A.
Other names: c.443C>A, p.Ala148Glu (NM_000172.4); short protein forms A148E.
Identifiers: ClinVar variation 2075875 (VCV002075875.5), dbSNP rs2546144987, ClinGen allele CA352915642.